The following is an entry in ClinVar:

ClinVar aggregate classification (germline): Conflicting classifications of pathogenicity. Review status: criteria provided, conflicting classifications (1 of 4 stars). 5 submissions from 5 submitters: Uncertain significance (1); Benign (1); Likely benign (2). 1 of the submissions does not count toward it. Last evaluated 2026-01-26.

Conditions:
FANCF-related disorder. Also called: FANCF-related condition.
Fanconi anemia (FA). Also called: Fanconi's anemia. Identifiers: Orphanet 84, MedGen C0015625, MeSH D005199, MONDO:0019391.

Allele frequency attached by ClinVar (database versions not stated): gnomAD 0.00006; TOPMed 0.00007; gnomAD exomes 0.00048; ExAC 0.00056; 1000 Genomes Project 30x 0.00078; 1000 Genomes Project 0.00080.
gnomAD v4.1: 402 of 1,613,974 alleles (0.025%); highest among the groups gnomAD compares: South Asian, 0.26%; 11 homozygotes.

Submissions (5):

Labcorp Genetics (formerly Invitae), Labcorp
Classification: Benign for Fanconi anemia. Last evaluated: 2026-01-26. Review status: criteria provided, single submitter. Criteria: Invitae Variant Classification Sherloc (09022015). Collection method: clinical testing. Allele origin: germline.

Blueprint Genetics
Classification: Likely benign. Last evaluated: 2024-11-26. Review status: criteria provided, single submitter. Criteria: ACMG Guidelines, 2015. Collection method: clinical testing. Allele origin: germline.

CeGaT Center for Human Genetics Tuebingen
Classification: Likely benign. Last evaluated: 2022-12-01. Review status: criteria provided, single submitter. Criteria: CeGaT Center For Human Genetics Tuebingen Variant Classification Criteria Version 2. Collection method: clinical testing. Allele origin: germline. Affected: yes. Observed: 3 variant alleles.
Comment: FANCF: BP4, BS2

GeneDx
Classification: Uncertain significance. Last evaluated: 2020-10-03. Review status: criteria provided, single submitter. Criteria: GeneDx Variant Classification Process June 2021. Collection method: clinical testing. Allele origin: germline. Affected: yes.
Comment: Has not been previously published as pathogenic or benign to our knowledge; In silico analysis supports that this missense variant has a deleterious effect on protein structure/function

PreventionGenetics, part of Exact Sciences
Classification: Likely benign for FANCF-related condition. Last evaluated: 2023-02-16. Review status: no assertion criteria provided. Collection method: clinical testing. Allele origin: germline. Not counted in ClinVar's aggregate classification.
Comment: This variant is classified as likely benign based on ACMG/AMP sequence variant interpretation guidelines (Richards et al. 2015 PMID: 25741868, with internal and published modifications).

NM_022725.4(FANCF):c.148C>T (p.Arg50Trp)

Gene: FANCF (FA complementation group F; minus strand). Cytogenetic location: 11p14.3.
Variant type: single nucleotide variant.
Coding change: c.148C>T on transcript NM_022725.4 (MANE Select); coding-DNA position 148, C replaced by T.
Protein change: p.Arg50Trp; replaces arginine 50 with tryptophan.
Molecular consequence: missense variant.
Genome position (GRCh38, 1-based): chr11:22,625,663, G>A on the plus strand (C>T on the coding strand, the complement: FANCF is on the minus strand). VCF-style: chr11-22625663-G-A. GRCh37 (hg19) VCF-style: chr11-22647209-G-A.
Other names: short protein forms R50W.
Identifiers: ClinVar variation 697625 (VCV000697625.52), dbSNP rs577253174, ClinGen allele CA5924421.